The following is an entry in ClinVar:

ClinVar aggregate classification (germline): Benign. Review status: criteria provided, single submitter (1 of 4 stars). 3 submissions from 3 submitters: Benign (1). 2 of the submissions do not count toward it. Last evaluated 2025-12-16.

Conditions:
ELOVL1-related disorder. Also called: ELOVL1-related condition.
Optic atrophy. Identifiers: MedGen C0029124, MONDO:0003608, HP:0000648.

Allele frequency attached by ClinVar (database versions not stated): gnomAD exomes 0.00038; ExAC 0.00119; gnomAD 0.00367; ESP Exome Variant Server 0.00369; 1000 Genomes Project 30x 0.00406; TOPMed 0.00414; 1000 Genomes Project 0.00459.
gnomAD v4.1: 1,143 of 1,614,088 alleles (0.071%); highest among the groups gnomAD compares: African/African-American, 1.3%; 10 homozygotes.

Submissions (3):

Labcorp Genetics (formerly Invitae), Labcorp
Classification: Benign. Last evaluated: 2025-12-16. Review status: criteria provided, single submitter. Criteria: Invitae Variant Classification Sherloc (09022015). Collection method: clinical testing. Allele origin: germline.

Institute of Human Genetics, Univ. Regensburg, Univ. Regensburg
Classification: Uncertain significance for Optic atrophy. Last evaluated: 2023-01-01. Review status: no assertion criteria provided. Criteria: ACMG Guidelines, 2015. Collection method: clinical testing. Allele origin: germline. Affected: yes. Not counted in ClinVar's aggregate classification.

PreventionGenetics, part of Exact Sciences
Classification: Benign for ELOVL1-related condition. Last evaluated: 2019-11-26. Review status: no assertion criteria provided. Collection method: clinical testing. Allele origin: germline. Not counted in ClinVar's aggregate classification.
Comment: This variant is classified as benign based on ACMG/AMP sequence variant interpretation guidelines (Richards et al. 2015 PMID: 25741868, with internal and published modifications).

NM_022821.4(ELOVL1):c.13G>A (p.Val5Met)

Gene: ELOVL1 (ELOVL fatty acid elongase 1; minus strand). Cytogenetic location: 1p34.2.
Variant type: single nucleotide variant.
Coding change: c.13G>A on transcript NM_022821.4 (MANE Select); coding-DNA position 13, G replaced by A.
Protein change: p.Val5Met; replaces valine 5 with methionine.
Molecular consequence: missense variant. On other transcripts: 5 prime UTR variant (1), non-coding transcript variant (1).
Genome position (GRCh38, 1-based): chr1:43,365,597, C>T on the plus strand (G>A on the coding strand, the complement: ELOVL1 is on the minus strand). VCF-style: chr1-43365597-C-T. GRCh37 (hg19) VCF-style: chr1-43831268-C-T.
Other names: c.13G>A, p.Val5Met (NM_001256399.2, NM_001256401.2); c.-40G>A (NM_001256402.2); short protein forms V5M.
Identifiers: ClinVar variation 2040703 (VCV002040703.7), dbSNP rs111698274, ClinGen allele CA807735.